The following is an entry in ClinVar:

NM_005076.5(CNTN2):c.1820C>T (p.Pro607Leu)

Gene: CNTN2 (contactin 2; plus strand). Cytogenetic location: 1q32.1.
Variant type: single nucleotide variant.
Coding change: c.1820C>T on transcript NM_005076.5 (MANE Select); coding-DNA position 1820, C replaced by T.
Protein change: p.Pro607Leu; replaces proline 607 with leucine.
Molecular consequence: missense variant. On other transcripts: non-coding transcript variant (1).
Genome position (GRCh38, 1-based): chr1:205,066,444, C>T. VCF-style: chr1-205066444-C-T. GRCh37 (hg19) VCF-style: chr1-205035572-C-T.
Other names: c.1820C>T, p.Pro607Leu (NM_001346083.2); short protein forms P607L.
Identifiers: ClinVar variation 570380 (VCV000570380.6), dbSNP rs140570612, ClinGen allele CA1351512.

ClinVar aggregate classification (germline): Uncertain significance (1 of 4 stars; one submission).

Conditions:
Epilepsy, familial adult myoclonic, 5 (EPEO5). Also called: CORTICAL MYOCLONIC TREMOR WITH EPILEPSY, FAMILIAL, 5. Identifiers: Orphanet 86814, MedGen C3809374, MONDO:0014167, OMIM 615400.

Allele frequency attached by ClinVar (database versions not stated): gnomAD exomes 0.00003 and 0.00006; ExAC 0.00009; gnomAD 0.00014 and 0.00016; TOPMed 0.00021; ESP Exome Variant Server 0.00031.
gnomAD v4.1: 63 of 1,613,470 alleles (0.0039%); highest among the groups gnomAD compares: African/African-American, 0.043%; no homozygotes.

Submission:

Labcorp Genetics (formerly Invitae), Labcorp
Classification: Uncertain significance for Epilepsy, familial adult myoclonic, 5. Last evaluated: 2022-07-23. Review status: criteria provided, single submitter. Criteria: Invitae Variant Classification Sherloc (09022015). Collection method: clinical testing. Allele origin: germline.
Comment: This sequence change replaces proline, which is neutral and non-polar, with leucine, which is neutral and non-polar, at codon 607 of the CNTN2 protein (p.Pro607Leu). This variant is present in population databases (rs140570612, gnomAD 0.05%). This variant has not been reported in the literature in individuals affected with CNTN2-related conditions. ClinVar contains an entry for this variant (Variation ID: 570380). Advanced modeling of protein sequence and biophysical properties (such as structural, functional, and spatial information, amino acid conservation, physicochemical variation, residue mobility, and thermodynamic stability) performed at Invitae indicates that this missense variant is not expected to disrupt CNTN2 protein function. In summary, the available evidence is currently insufficient to determine the role of this variant in disease. Therefore, it has been classified as a Variant of Uncertain Significance.